The following is an entry in ClinVar:

ClinVar aggregate classification (germline): Uncertain significance (1 of 4 stars; one submission).

Conditions:
Ullrich congenital muscular dystrophy 2 (UCMD2). Identifiers: Orphanet 75840, MedGen C4225314, MONDO:0014654, OMIM 616470.
Bethlem myopathy 2 (BTHLM2). Identifiers: Orphanet 536516, Orphanet 610, MedGen C4225313, MONDO:0034022, OMIM 616471.

Allele frequency attached by ClinVar (database versions not stated): gnomAD exomes below 0.00001; gnomAD 0.00001; TOPMed 0.00001.
gnomAD v4.1: 4 of 1,613,816 alleles (0.00025%); highest among the groups gnomAD compares: Non-Finnish European, 0.00034%; no homozygotes.

Submission:

Labcorp Genetics (formerly Invitae), Labcorp
Classification: Uncertain significance for Bethlem myopathy 2; Ullrich congenital muscular dystrophy 2. Last evaluated: 2023-12-12. Review status: criteria provided, single submitter. Criteria: Invitae Variant Classification Sherloc (09022015). Collection method: clinical testing. Allele origin: germline.
Comment: This sequence change replaces proline, which is neutral and non-polar, with threonine, which is neutral and polar, at codon 1855 of the COL12A1 protein (p.Pro1855Thr). This variant is present in population databases (no rsID available, gnomAD 0.0009%). This variant has not been reported in the literature in individuals affected with COL12A1-related conditions. ClinVar contains an entry for this variant (Variation ID: 943535). Advanced modeling of protein sequence and biophysical properties (such as structural, functional, and spatial information, amino acid conservation, physicochemical variation, residue mobility, and thermodynamic stability) has been performed at Invitae for this missense variant, however the output from this modeling did not meet the statistical confidence thresholds required to predict the impact of this variant on COL12A1 protein function. In summary, the available evidence is currently insufficient to determine the role of this variant in disease. Therefore, it has been classified as a Variant of Uncertain Significance.

NM_004370.6(COL12A1):c.5563C>A (p.Pro1855Thr)

Gene: COL12A1 (collagen type XII alpha 1 chain; minus strand). Cytogenetic location: 6q13.
Variant type: single nucleotide variant.
Coding change: c.5563C>A on transcript NM_004370.6 (MANE Select); coding-DNA position 5563, C replaced by A.
Protein change: p.Pro1855Thr; replaces proline 1855 with threonine.
Molecular consequence: missense variant.
Genome position (GRCh38, 1-based): chr6:75,133,959, G>T on the plus strand (C>A on the coding strand, the complement: COL12A1 is on the minus strand). VCF-style: chr6-75133959-G-T. GRCh37 (hg19) VCF-style: chr6-75843675-G-T.
Other names: c.2071C>A, p.Pro691Thr (NM_080645.3); short protein forms P1855T, P691T.
Identifiers: ClinVar variation 943535 (VCV000943535.10), dbSNP rs1479368774, ClinGen allele CA364735318.
Genomic context (GRCh38, chr6:75,133,959, plus strand): 5'-TGTACTGACGAGGATTTCCCTCTGCATGGTCCCAGCGGACATTCAAGGTGCTGGTAGAAG[G>T]GTCATACACTCTCAGGTTCCTTACAGTGTTTAGAGGTTCTGAAATGCACAGAAATCCCAT-3'
Protein context (NP_004361.3, residues 1845-1865): NTVRNLRVYD[Pro1855Thr]STSTLNVRWD